The following is an entry in ClinVar:

NM_003242.6(TGFBR2):c.269A>G (p.Lys90Arg)

Gene: TGFBR2 (transforming growth factor beta receptor 2; plus strand). Cytogenetic location: 3p24.1.
Variant type: single nucleotide variant.
Coding change: c.269A>G on transcript NM_003242.6 (MANE Select); coding-DNA position 269, A replaced by G.
Protein change: p.Lys90Arg; replaces lysine 90 with arginine.
Molecular consequence: missense variant. On other transcripts: intron variant (2).
Genome position (GRCh38, 1-based): chr3:30,650,275, A>G. VCF-style: chr3-30650275-A-G. GRCh37 (hg19) VCF-style: chr3-30691767-A-G.
Other names: c.344A>G, p.Lys115Arg (NM_001024847.3, NM_001407126.1, NM_001407139.1); c.269A>G, p.Lys90Arg (NM_001407127.1, NM_001407130.1); c.296A>G, p.Lys99Arg (NM_001407128.1); c.164A>G, p.Lys55Arg (NM_001407129.1, NM_001407132.1, NM_001407133.1 and 3 more transcripts); c.170-21363A>G (NM_001407137.1); c.95-21363A>G (NM_001407138.1); short protein forms K90R, K115R, K99R, K55R.
Identifiers: ClinVar variation 2853441 (VCV002853441.3), dbSNP rs2125409801, ClinGen allele CA351806706.

ClinVar aggregate classification (germline): Uncertain significance (1 of 4 stars; one submission).

Conditions:
Familial thoracic aortic aneurysm and aortic dissection (TAAD). Also called: Thoracic aortic aneurysms and dissections. Identifiers: Orphanet 91387, MedGen C4707243, MONDO:0019625.

Submission:

Labcorp Genetics (formerly Invitae), Labcorp
Classification: Uncertain significance for Familial thoracic aortic aneurysm and aortic dissection. Last evaluated: 2023-04-15. Review status: criteria provided, single submitter. Criteria: Invitae Variant Classification Sherloc (09022015). Collection method: clinical testing. Allele origin: germline.
Comment: This variant is not present in population databases (gnomAD no frequency). This variant has not been reported in the literature in individuals affected with TGFBR2-related conditions. Advanced modeling of protein sequence and biophysical properties (such as structural, functional, and spatial information, amino acid conservation, physicochemical variation, residue mobility, and thermodynamic stability) performed at Invitae indicates that this missense variant is not expected to disrupt TGFBR2 protein function. In summary, the available evidence is currently insufficient to determine the role of this variant in disease. Therefore, it has been classified as a Variant of Uncertain Significance. This sequence change replaces lysine, which is basic and polar, with arginine, which is basic and polar, at codon 90 of the TGFBR2 protein (p.Lys90Arg).